The following is an entry in ClinVar:

NM_020975.6(RET):c.2940-12T>C

Gene: RET (ret proto-oncogene; plus strand). Cytogenetic location: 10q11.21.
Variant type: single nucleotide variant.
Coding change: c.2940-12T>C on transcript NM_020975.6 (MANE Select); 12 bases into the intron before coding-DNA position 2940, T replaced by C.
Molecular consequence: intron variant.
Genome position (GRCh38, 1-based): chr10:43,124,871, T>C. VCF-style: chr10-43124871-T-C. GRCh37 (hg19) VCF-style: chr10-43620319-T-C.
Other names: c.2940-12T>C (NM_020630.7, NM_001406743.1, NM_001406744.1 and 2 more transcripts); c.2805-12T>C (NM_001406765.1, NM_001406763.1); c.2544-12T>C (NM_001406772.1, NM_001406769.1); c.2502-12T>C (NM_001406773.1, NM_001406771.1); c.2043-12T>C (NM_001406782.1, NM_001406780.1, NM_001406779.1 and 1 more transcripts); c.1908-12T>C (NM_001406787.1); c.1923-12T>C (NM_001406785.1); c.2811-12T>C (NM_001406764.1, NM_001406762.1, NM_001406761.1); and 10 more.
Identifiers: ClinVar variation 1990534 (VCV001990534.5), dbSNP rs1417506172, ClinGen allele CA592897368.

ClinVar aggregate classification (germline): Likely benign. Review status: criteria provided, multiple submitters, no conflicts (2 of 4 stars). 2 submissions from 2 submitters: Likely benign (2). Last evaluated 2024-04-07.

Conditions:
Multiple endocrine neoplasia, type 2 (MEN2). Identifiers: Orphanet 653, MedGen C4048306, MONDO:0019003. Disease mechanism: gain of function.

Allele frequency attached by ClinVar (database versions not stated): gnomAD exomes below 0.00001; TOPMed below 0.00001.
gnomAD v4.1: 5 of 1,613,532 alleles (0.00031%); highest among the groups gnomAD compares: Admixed American, 0.0033%; no homozygotes.

Submissions (2):

Labcorp Genetics (formerly Invitae), Labcorp
Classification: Likely benign for Multiple endocrine neoplasia, type 2. Last evaluated: 2024-04-07. Review status: criteria provided, single submitter. Criteria: Invitae Variant Classification Sherloc (09022015). Collection method: clinical testing. Allele origin: germline.

All of Us Research Program, National Institutes of Health
Classification: Likely benign for Multiple endocrine neoplasia, type 2. Last evaluated: 2023-12-13. Review status: criteria provided, single submitter. Criteria: ACMG Guidelines, 2015. Collection method: clinical testing. Allele origin: germline. Inheritance: Autosomal dominant inheritance. Observed: 2 variant alleles, 2 heterozygotes.
Comment: This study involves interpretation of variants in research participants for the purpose of population health screening. Participant phenotype was not available at the time of variant classification. Additional details can be found in publication PMID: 35346344, PMCID: PMC8962531